The following is an entry in ClinVar:

NM_016553.5(NUP62):c.1045C>T (p.Arg349Trp)

Genes: NUP62 (nucleoporin 62; minus strand), IL4I1 (interleukin 4 induced 1; minus strand). Cytogenetic location: 19q13.33.
Variant type: single nucleotide variant.
Coding change: c.1045C>T on transcript NM_016553.5 (MANE Select); coding-DNA position 1045, C replaced by T.
Protein change: p.Arg349Trp; replaces arginine 349 with tryptophan.
Molecular consequence: missense variant. On other transcripts: intron variant (3).
Genome position (GRCh38, 1-based): chr19:49,908,763, G>A on the plus strand (C>T on the coding strand, the complement: NUP62 is on the minus strand). VCF-style: chr19-49908763-G-A. GRCh37 (hg19) VCF-style: chr19-50412020-G-A.
Other names: c.1045C>T, p.Arg349Trp (NM_001193357.2, NM_012346.5, NM_153718.4 and 1 more transcripts); c.-227-4442C>T (NM_001258017.2, NM_172374.3); c.-285-4442C>T (NM_001258018.2); short protein forms R349W.
Identifiers: ClinVar variation 1346784 (VCV001346784.8), dbSNP rs758695990, ClinGen allele CA9588965.
Genomic context (GRCh38, chr19:49,908,763, plus strand): 5'-CATTCTCGATCAGCGTGCGGTCCCAGGCGTTGACCTGGGTGGCCTGCTGGAGGAAGTGCC[G>A]CTCCTGGTCCTCTAGCTCCAGGCTCCATTTGTTGATCAGGCTCTCCAGCTGCGCGTAGGT-3'
Protein context (NP_057637.2, residues 339-359): KWSLELEDQE[Arg349Trp]HFLQQATQVN

ClinVar aggregate classification (germline): Uncertain significance (1 of 4 stars; one submission).

Allele frequency attached by ClinVar (database versions not stated): gnomAD exomes 0.00001 and 0.00002; ExAC 0.00001.
gnomAD v4.1: 24 of 1,613,664 alleles (0.0015%); highest among the groups gnomAD compares: Non-Finnish European, 0.0019%; no homozygotes.

Submission:

Labcorp Genetics (formerly Invitae), Labcorp
Classification: Uncertain significance. Last evaluated: 2025-08-04. Review status: criteria provided, single submitter. Criteria: Invitae Variant Classification Sherloc (09022015). Collection method: clinical testing. Allele origin: germline.
Comment: This sequence change replaces arginine, which is basic and polar, with tryptophan, which is neutral and slightly polar, at codon 349 of the NUP62 protein (p.Arg349Trp). This variant is present in population databases (rs758695990, gnomAD 0.002%). This variant has not been reported in the literature in individuals affected with NUP62-related conditions. ClinVar contains an entry for this variant (Variation ID: 1346784). An algorithm developed to predict the effect of missense changes on protein structure and function (PolyPhen-2) suggests that this variant is likely to be tolerated. In summary, the available evidence is currently insufficient to determine the role of this variant in disease. Therefore, it has been classified as a Variant of Uncertain Significance.